The following is an entry in ClinVar:

ClinVar aggregate classification (germline): Likely pathogenic. Review status: criteria provided, multiple submitters, no conflicts (2 of 4 stars). 3 submissions from 3 submitters: Likely pathogenic (3). Last evaluated 2026-07-16.

Conditions:
Hereditary cancer-predisposing syndrome. Also called: Neoplastic Syndromes, Hereditary; Hereditary Cancer Syndrome; Hereditary neoplastic syndrome; Tumor predisposition. Identifiers: Orphanet 140162, MedGen C0027672, MeSH D009386, MONDO:0015356.
Lynch syndrome. Identifiers: Orphanet 144, MedGen C4552100, MONDO:0005835. Disease mechanism: loss of function.
Lynch syndrome 5 (LYNCH5). Also called: Hereditary non-polyposis colorectal cancer, type 5; Colorectal cancer, hereditary nonpolyposis, type 5. Identifiers: Orphanet 144, MedGen C1833477, MONDO:0013710, OMIM 614350. Disease mechanism: loss of function.

Submissions (3):

Ambry Genetics
Classification: Likely pathogenic for Hereditary cancer-predisposing syndrome. Last evaluated: 2026-07-16. Review status: criteria provided, single submitter. Criteria: Ambry Variant Classification Scheme 2023. Collection method: clinical testing. Allele origin: germline.
Comment: The c.3801+2T>C intronic variant results from a T to C substitution two nucleotides after coding exon 8 in the MSH6 gene. This variant is considered to be rare based on population cohorts in the Genome Aggregation Database (gnomAD). This nucleotide position is highly conserved in available vertebrate species. In silico splice site analysis predicts that this alteration will weaken the native splice donor site; however, direct evidence is insufficient at this time (Ambry internal data). Variants that disrupt the canonical splice site are expected to cause aberrant splicing, resulting in an abnormal protein or a transcript that is subject to nonsense-mediated mRNA decay. As such, this variant is classified as likely pathogenic.

Myriad Genetics, Inc.
Classification: Likely pathogenic for Lynch syndrome 5. Last evaluated: 2023-08-25. Review status: criteria provided, single submitter. Criteria: Myriad Autosomal Dominant, Autosomal Recessive and X-Linked Classification Criteria (2023). Collection method: clinical testing. Allele origin: unknown.
Comment: This variant is considered likely pathogenic. This variant occurs within a consensus splice junction and is predicted to result in abnormal mRNA splicing of either an out-of-frame exon or an in-frame exon necessary for protein stability and/or normal function.

University of Washington Department of Laboratory Medicine, University of Washington
Classification: Likely pathogenic for Lynch syndrome. Last evaluated: 2018-05-01. Review status: criteria provided, single submitter. Criteria: Shirts BH et al. (Am J Hum Genet 2018). Collection method: clinical testing. Allele origin: somatic. Affected: yes.
Comment: MSH6 NM_000179.2:c.3801+2T>C has a 98.1% probability of pathogenicity based on combining prior probability from public data with a likelihood ratio of 1.56 to 1, generated from evidence of seeing this as a somatic mutation in a tumor without loss of heterozygosity at the MSH6 locus. See Shirts et al 2018, PMID 29887214.

NM_000179.3(MSH6):c.3801+2T>C

Gene: MSH6 (mutS homolog 6; plus strand). Cytogenetic location: 2p16.3.
Variant type: single nucleotide variant.
Coding change: c.3801+2T>C on transcript NM_000179.3 (MANE Select); the canonical splice donor site of the intron after coding-DNA position 3801, T replaced by C.
Molecular consequence: splice donor variant.
Genome position (GRCh38, 1-based): chr2:47,806,360, T>C. VCF-style: chr2-47806360-T-C. GRCh37 (hg19) VCF-style: chr2-48033499-T-C.
Other names: c.3801+2T>C (NM_001406809.1, NM_001406796.1, NM_001406808.1 and 1 more transcripts); c.2895+2T>C (NM_001406811.1, NM_001406814.1, NM_001281493.2 and 6 more transcripts); c.3504+2T>C (NM_001406805.1, NM_001406797.1, NM_001406801.1 and 10 more transcripts); c.3897+2T>C (NM_001406795.1, NM_001406802.1); c.3807+2T>C (NM_001406813.1); c.3276+2T>C (NM_001406807.1, NM_001406799.1, NM_001406806.1); c.3627+2T>C (NM_001406798.1); c.2937+2T>C (NM_001406803.1); and 7 more.
Identifiers: ClinVar variation 619545 (VCV000619545.9), dbSNP rs1558392617, ClinGen allele CA346761204.